The following is an entry in ClinVar:

ClinVar aggregate classification (germline): Uncertain significance (1 of 4 stars; one submission).

Conditions:
Hereditary cancer-predisposing syndrome. Also called: Neoplastic Syndromes, Hereditary; Tumor predisposition; Hereditary Cancer Syndrome; Hereditary neoplastic syndrome. Identifiers: Orphanet 140162, MedGen C0027672, MeSH D009386, MONDO:0015356.

Submission:

Color Diagnostics, LLC DBA Color Health
Classification: Uncertain significance for Hereditary cancer-predisposing syndrome. Last evaluated: 2022-12-07. Review status: criteria provided, single submitter. Criteria: ACMG Guidelines, 2015. Collection method: clinical testing. Allele origin: germline.
Comment: This variant deletes 1 nucleotide at the -5 position of in intron 32 of the ATM gene. To our knowledge, RNA studies have not been performed for this variant. Splice site prediction tools are inconclusive regarding the impact of this variant on RNA splicing. This variant has not been reported in individuals affected with hereditary cancer in the literature. This variant has not been identified in the general population by the Genome Aggregation Database (gnomAD). The available evidence is insufficient to determine the role of this variant in disease conclusively. Therefore, this variant is classified as a Variant of Uncertain Significance.

NM_000051.4(ATM):c.4910-5del

Gene: ATM (ATM serine/threonine kinase; plus strand). Cytogenetic location: 11q22.3.
Variant type: Deletion.
Coding change: c.4910-5del on transcript NM_000051.4 (MANE Select); 5 bases into the intron before coding-DNA position 4910, one base deleted (T; older notation c.4910-5delT).
Molecular consequence: intron variant.
Genome position (GRCh38, 1-based): chr11:108,297,282, T deleted; the last of 3 consecutive T bases (chr11:108,297,280-108,297,282); deleting any one gives the same sequence. VCF-style (leftmost placement, unchanged base first): chr11-108297279-AT-A. GRCh37 (hg19) VCF-style: chr11-108168006-AT-A.
Other names: c.4910-5del (NM_001351834.2).
Identifiers: ClinVar variation 924541 (VCV000924541.5), dbSNP rs2083173551, ClinGen allele CA1139662309.